The following is an entry in ClinVar:

NM_004715.5(CTDP1):c.280C>T (p.Leu94=)

Gene: CTDP1 (CTD phosphatase 1; plus strand). Cytogenetic location: 18q23.
Variant type: single nucleotide variant.
Coding change: c.280C>T on transcript NM_004715.5 (MANE Select); coding-DNA position 280, C replaced by T.
Protein change: p.Leu94=; no amino-acid change (leucine 94 retained).
Molecular consequence: synonymous variant.
Genome position (GRCh38, 1-based): chr18:79,680,227, C>T. VCF-style: chr18-79680227-C-T. GRCh37 (hg19) VCF-style: chr18-77440227-C-T.
Other names: c.280C>T, p.Leu94= (NM_001318511.2, NM_048368.4).
Identifiers: ClinVar variation 2419854 (VCV002419854.31), dbSNP rs774697090, ClinGen allele CA504866695.

ClinVar aggregate classification (germline): Likely benign. Review status: criteria provided, multiple submitters, no conflicts (2 of 4 stars). 2 submissions from 2 submitters: Likely benign (2). Last evaluated 2025-06-02.

gnomAD v4.1: 17 of 1,353,976 alleles (0.0013%); highest among the groups gnomAD compares: Non-Finnish European, 0.0016%; no homozygotes.

Submissions (2):

Labcorp Genetics (formerly Invitae), Labcorp
Classification: Likely benign. Last evaluated: 2025-06-02. Review status: criteria provided, single submitter. Criteria: Invitae Variant Classification Sherloc (09022015). Collection method: clinical testing. Allele origin: germline.

CeGaT Center for Human Genetics Tuebingen
Classification: Likely benign. Last evaluated: 2022-06-01. Review status: criteria provided, single submitter. Criteria: CeGaT Center For Human Genetics Tuebingen Variant Classification Criteria Version 2. Collection method: clinical testing. Allele origin: germline. Affected: yes. Observed: 1 variant allele.
Comment: CTDP1: BP4, BP7